The following is an entry in ClinVar:

ClinVar aggregate classification (germline): Likely pathogenic (1 of 4 stars; one submission).

Conditions:
Blepharophimosis-impaired intellectual development syndrome. Identifiers: Orphanet 637013, MedGen C5443984, MONDO:0859139, OMIM 619293.

Submission:

Centro Nacional de Genética Medica, Administración Nacional de Laboratorios e Institutos de Salud (ANLIS) “Dr. Carlos G Malbrán”
Classification: Likely pathogenic for Blepharophimosis-impaired intellectual development syndrome. Last evaluated: 2025-02-23. Review status: criteria provided, single submitter. Criteria: ACMG Guidelines, 2015. Collection method: clinical testing. Allele origin: germline. Affected: yes. Observed: 1 variant allele.
Comment: This variant corresponds to a missense mutation in the coding sequence of exon 32/34 of the SMARCA2 gene, resulting in the replacement of the tyrosine amino acid at position 1489—a residue with an aromatic side chain containing a hydroxyl group capable of forming hydrogen bonds—with a cysteine residue. Cysteine is a polar, uncharged residue with a sulfhydryl group, a weak acid that can form disulfide bonds with another cysteine under redox conditions. The variant is located on the bromodomain (entry Pfam:PF00439), a conserved protein domain spanning residues 1412 to 1493 that recognizes acetylated lysine residues found in the N-terminal tails of canonical histones. Its affinity is higher for regions where multiple acetylation sites are located in close proximity. This recognition is often a prerequisite for protein-histone association and chromatin remodeling. The domain folds completely to form a hydrophobic pocket that recognizes acetyl lysine (PMID: 1350857; 9175470). It was reported that while Swi/Snf purified from a yeast strain possessing a bromodomain deletion is able to be recruited to acetylated nucleosomes, it does not anchor to them (PMID: 12419247). This illustrates the requirement of this bromodomain for SWI/SNF to anchor to the canonical acetylated histone complex (PM1). The variant found is not present in population databases such as GnomAD, ExAc, or 1000 Genomes (PM2_Supporting). Bioinformatics predictors (Alphamissense, EVE, SIFT, PolyPhen, REVEL) classify the variant as deleterious (PP3). The gene has poor tolerance to missense changes, with a Z-score greater than 3, and many variants are pathogenic according to the GnomAD database (PP2). The patient's phenotype is consistent with Intellectual Developmental Disorder with Blepharophimosis, and the SMARCA2 gene is closely associated with this condition (PP4). Therefore, and following the international rules of the American College of Medical Genetics (ACMG), the heterozygous variant identified in the SMARCA2 gene, c.4466A>G (NM_003070.5), is classified as Probably Pathogenic (PM1, PM2_Supporting, PP3, PP2, and PP4).

Literature cited by the submitters: PubMed 1350857; PubMed 9175470; PubMed 12419247.

NM_003070.5(SMARCA2):c.4466A>G (p.Tyr1489Cys)

Gene: SMARCA2 (SWI/SNF related BAF chromatin remodeling complex subunit ATPase 2; plus strand). Cytogenetic location: 9p24.3.
Variant type: single nucleotide variant.
Coding change: c.4466A>G on transcript NM_003070.5 (MANE Select); coding-DNA position 4466, A replaced by G.
Protein change: p.Tyr1489Cys; replaces tyrosine 1489 with cysteine.
Molecular consequence: missense variant.
Genome position (GRCh38, 1-based): chr9:2,186,100, A>G. VCF-style: chr9-2186100-A-G. GRCh37 (hg19) VCF-style: chr9-2186100-A-G.
Other names: c.4466A>G, p.Tyr1489Cys (NM_001289396.2); c.4238A>G, p.Tyr1413Cys (NM_001289397.2); c.440A>G, p.Tyr147Cys (NM_001289398.2); c.524A>G, p.Tyr175Cys (NM_001289399.2); c.530A>G, p.Tyr177Cys (NM_001289400.2); c.4412A>G, p.Tyr1471Cys (NM_139045.4); short protein forms Y1413C, Y1471C, Y147C, Y1489C, Y175C, Y177C.
Identifiers: ClinVar variation 4871714 (VCV004871714.1).